The following is an entry in ClinVar:

ClinVar aggregate classification (germline): Uncertain significance (1 of 4 stars; one submission).

Conditions:
Hypertrophic cardiomyopathy 26. Also called: Cardiomyopathy, familial hypertrophic, 26. Identifiers: Orphanet 75249, MedGen C4310749, MONDO:0014883, OMIM 617047.
Myofibrillar myopathy 5. Also called: Filaminopathy (type); FILAMINOPATHY, AUTOSOMAL DOMINANT. Identifiers: Orphanet 171445, MedGen C1836050, MONDO:0012289, OMIM 609524.
Distal myopathy with posterior leg and anterior hand involvement. Also called: WILLIAMS DISTAL MYOPATHY. Identifiers: Orphanet 63273, MedGen C3279722, MONDO:0013550, OMIM 614065.

gnomAD v4.1: 1 of 1,614,122 alleles (0.000062%); highest among the groups gnomAD compares: Non-Finnish European, 0.000085%; no homozygotes.

Submission:

Labcorp Genetics (formerly Invitae), Labcorp
Classification: Uncertain significance for Distal myopathy with posterior leg and anterior hand involvement; Myofibrillar myopathy 5; Hypertrophic cardiomyopathy 26. Last evaluated: 2022-12-17. Review status: criteria provided, single submitter. Criteria: Invitae Variant Classification Sherloc (09022015). Collection method: clinical testing. Allele origin: germline.
Comment: This sequence change affects codon 1721 of the FLNC mRNA. It is a 'silent' change, meaning that it does not change the encoded amino acid sequence of the FLNC protein. This variant is not present in population databases (gnomAD no frequency). This variant has not been reported in the literature in individuals affected with FLNC-related conditions. Algorithms developed to predict the effect of sequence changes on RNA splicing suggest that this variant may create or strengthen a splice site. In summary, the available evidence is currently insufficient to determine the role of this variant in disease. Therefore, it has been classified as a Variant of Uncertain Significance.

NM_001458.5(FLNC):c.5163G>A (p.Gly1721=)

Gene: FLNC (filamin C; plus strand). Cytogenetic location: 7q32.1.
Variant type: single nucleotide variant.
Coding change: c.5163G>A on transcript NM_001458.5 (MANE Select); coding-DNA position 5163, G replaced by A.
Protein change: p.Gly1721=; no amino-acid change (glycine 1721 retained).
Molecular consequence: synonymous variant.
Genome position (GRCh38, 1-based): chr7:128,849,542, G>A. VCF-style: chr7-128849542-G-A. GRCh37 (hg19) VCF-style: chr7-128489596-G-A.
Other names: c.5163G>A, p.Gly1721= (NM_001127487.2).
Identifiers: ClinVar variation 2938390 (VCV002938390.3), dbSNP rs2536650780, ClinGen allele CA457849077.